The following is an entry in ClinVar:

ClinVar aggregate classification (germline): Uncertain significance (1 of 4 stars; one submission).

Allele frequency attached by ClinVar (database versions not stated): gnomAD exomes below 0.00001.
gnomAD v4.1: 1 of 1,613,706 alleles (0.000062%); highest among the groups gnomAD compares: South Asian, 0.0011%; no homozygotes.

Submission:

Labcorp Genetics (formerly Invitae), Labcorp
Classification: Uncertain significance. Last evaluated: 2023-12-09. Review status: criteria provided, single submitter. Criteria: Invitae Variant Classification Sherloc (09022015). Collection method: clinical testing. Allele origin: germline.
Comment: This sequence change replaces alanine, which is neutral and non-polar, with threonine, which is neutral and polar, at codon 521 of the DNM1L protein (p.Ala521Thr). This variant is not present in population databases (gnomAD no frequency). This variant has not been reported in the literature in individuals affected with DNM1L-related conditions. An algorithm developed to predict the effect of missense changes on protein structure and function (PolyPhen-2) suggests that this variant is likely to be tolerated. In summary, the available evidence is currently insufficient to determine the role of this variant in disease. Therefore, it has been classified as a Variant of Uncertain Significance.

NM_012062.5(DNM1L):c.1561G>A (p.Ala521Thr)

Gene: DNM1L (dynamin 1 like; plus strand). Cytogenetic location: 12p11.21.
Variant type: single nucleotide variant.
Coding change: c.1561G>A on transcript NM_012062.5 (MANE Select); coding-DNA position 1561, G replaced by A.
Protein change: p.Ala521Thr; replaces alanine 521 with threonine.
Molecular consequence: missense variant.
Genome position (GRCh38, 1-based): chr12:32,737,126, G>A. VCF-style: chr12-32737126-G-A. GRCh37 (hg19) VCF-style: chr12-32890060-G-A.
Other names: c.1561G>A, p.Ala521Thr (NM_001278463.2, NM_005690.5, NM_012063.4); c.1600G>A, p.Ala534Thr (NM_001278464.2, NM_001278465.2, NM_001330380.2); c.952G>A, p.Ala318Thr (NM_001278466.2); short protein forms A534T, A521T, A318T.
Identifiers: ClinVar variation 2801212 (VCV002801212.3), dbSNP rs2541105027, ClinGen allele CA384360705.